The following is an entry in ClinVar:

ClinVar aggregate classification (germline): Uncertain significance (1 of 4 stars; one submission).

Submission:

Labcorp Genetics (formerly Invitae), Labcorp
Classification: Uncertain significance. Last evaluated: 2022-09-03. Review status: criteria provided, single submitter. Criteria: Invitae Variant Classification Sherloc (09022015). Collection method: clinical testing. Allele origin: germline.
Comment: In summary, the available evidence is currently insufficient to determine the role of this variant in disease. Therefore, it has been classified as a Variant of Uncertain Significance. Algorithms developed to predict the effect of missense changes on protein structure and function (SIFT, PolyPhen-2, Align-GVGD) all suggest that this variant is likely to be tolerated. This variant has not been reported in the literature in individuals affected with DENND5A-related conditions. This variant is not present in population databases (gnomAD no frequency). This sequence change replaces valine, which is neutral and non-polar, with alanine, which is neutral and non-polar, at codon 600 of the DENND5A protein (p.Val600Ala).

NM_015213.4(DENND5A):c.1799T>C (p.Val600Ala)

Gene: DENND5A (DENN domain containing 5A; minus strand). Cytogenetic location: 11p15.4.
Variant type: single nucleotide variant.
Coding change: c.1799T>C on transcript NM_015213.4 (MANE Select); coding-DNA position 1799, T replaced by C.
Protein change: p.Val600Ala; replaces valine 600 with alanine.
Molecular consequence: missense variant. On other transcripts: non-coding transcript variant (1).
Genome position (GRCh38, 1-based): chr11:9,178,239, A>G on the plus strand (T>C on the coding strand, the complement: DENND5A is on the minus strand). VCF-style: chr11-9178239-A-G. GRCh37 (hg19) VCF-style: chr11-9199786-A-G.
Other names: c.1799T>C, p.Val600Ala (NM_001243254.2, NM_001348748.1); c.1727T>C, p.Val576Ala (NM_001348749.2); c.1511T>C, p.Val504Ala (NM_001348750.2); short protein forms V576A, V600A, V504A.
Identifiers: ClinVar variation 2016032 (VCV002016032.4), dbSNP rs2493827547, ClinGen allele CA379614464.
Genomic context (GRCh38, chr11:9,178,239, plus strand): 5'-GTAGGTGTCCGAACATTCAACAGCCTGATCTTGTCAACTCGGGAATCAAATACCCGGAGT[A>G]CAGGGTCTTTATCATCATCATCATGACACATTATTTTGTTGTCAATGAAAGATGCAAACA-3'
Protein context (NP_056028.2, residues 590-610): MCHDDDDKDP[Val600Ala]LRVFDSRVDK